The following is an entry in ClinVar:

ClinVar aggregate classification (germline): Likely benign (1 of 4 stars; one submission).

gnomAD v4.1: 1 of 1,602,454 alleles (0.000062%); highest among the groups gnomAD compares: Non-Finnish European, 0.000085%; no homozygotes.

Submission:

CeGaT Center for Human Genetics Tuebingen
Classification: Likely benign. Last evaluated: 2026-03-01. Review status: criteria provided, single submitter. Criteria: CeGaT Center For Human Genetics Tuebingen Variant Classification Criteria Version 2. Collection method: clinical testing. Allele origin: germline. Affected: yes. Observed: 1 variant allele.
Comment: ZNF699: BP4, BP7

NM_198535.3(ZNF699):c.399C>T (p.Phe133=)

Gene: ZNF699 (zinc finger protein 699; minus strand). Cytogenetic location: 19p13.2.
Variant type: single nucleotide variant.
Coding change: c.399C>T on transcript NM_198535.3 (MANE Select); coding-DNA position 399, C replaced by T.
Protein change: p.Phe133=; no amino-acid change (phenylalanine 133 retained).
Molecular consequence: synonymous variant.
Genome position (GRCh38, 1-based): chr19:9,297,367, G>A on the plus strand (C>T on the coding strand, the complement: ZNF699 is on the minus strand). VCF-style: chr19-9297367-G-A. GRCh37 (hg19) VCF-style: chr19-9408043-G-A.
Identifiers: ClinVar variation 4822087 (VCV004822087.4).
Genomic context (GRCh38, chr19:9,297,367, plus strand): 5'-CTCATGGCTTTTGTTCTGATAATCAATACCACAGGACTCCTGGTTTTCATGTAAACTGGA[G>A]AACCAGGAATCATTCCTTTTGAATCTTACTATTTTCTGTTCATTGGATATTTTTTCTCCA-3'
Protein context (NP_940937.1, residues 123-143): IVRFKRNDSW[Phe133=]SSLHENQESC